The following is an entry in ClinVar:

ClinVar aggregate classification (germline): Uncertain significance (1 of 4 stars; one submission).

Conditions:
RYR1-related disorder. Also called: RYR1-related condition; RYR1-related disorders. Identifiers: MedGen CN239331.

Allele frequency attached by ClinVar (database versions not stated): gnomAD exomes below 0.00001.
gnomAD v4.1: 2 of 1,613,792 alleles (0.00012%); highest among the groups gnomAD compares: Non-Finnish European, 0.00017%; no homozygotes.

Submission:

Labcorp Genetics (formerly Invitae), Labcorp
Classification: Uncertain significance for RYR1-related disorder. Last evaluated: 2023-01-14. Review status: criteria provided, single submitter. Criteria: Invitae Variant Classification Sherloc (09022015). Collection method: clinical testing. Allele origin: germline.
Comment: This sequence change replaces isoleucine, which is neutral and non-polar, with threonine, which is neutral and polar, at codon 860 of the RYR1 protein (p.Ile860Thr). This variant is present in population databases (no rsID available, gnomAD 0.0009%). This variant has not been reported in the literature in individuals affected with RYR1-related conditions. Algorithms developed to predict the effect of missense changes on protein structure and function are either unavailable or do not agree on the potential impact of this missense change (SIFT: "Deleterious"; PolyPhen-2: "Probably Damaging"; Align-GVGD: "Class C0"). In summary, the available evidence is currently insufficient to determine the role of this variant in disease. Therefore, it has been classified as a Variant of Uncertain Significance.

NM_000540.3(RYR1):c.2579T>C (p.Ile860Thr)

Gene: RYR1 (ryanodine receptor 1; plus strand). Cytogenetic location: 19q13.2.
Variant type: single nucleotide variant.
Coding change: c.2579T>C on transcript NM_000540.3 (MANE Select); coding-DNA position 2579, T replaced by C.
Protein change: p.Ile860Thr; replaces isoleucine 860 with threonine.
Molecular consequence: missense variant.
Genome position (GRCh38, 1-based): chr19:38,463,424, T>C. VCF-style: chr19-38463424-T-C. GRCh37 (hg19) VCF-style: chr19-38954064-T-C.
Other names: c.2579T>C, p.Ile860Thr (NM_001042723.2); short protein forms I860T.
Identifiers: ClinVar variation 3002054 (VCV003002054.3), dbSNP rs1428623666, ClinGen allele CA405631675.
Genomic context (GRCh38, chr19:38,463,424, plus strand): 5'-GTCATGATGGAGGAGGGTAGAGGGACCTTGGGGTCTCAAGAACGTCCCTCTGCCTCTAGA[T>C]TGTCCTGCCGCCCCATCTGGAGCGCATTCGGGAGAAGCTGGCGGAGAACATCCACGAGCT-3'
Protein context (NP_000531.2, residues 850-870): FVPCPVDTVQ[Ile860Thr]VLPPHLERIR